The following is an entry in ClinVar:

ClinVar aggregate classification (germline): Uncertain significance (1 of 4 stars; one submission).

Conditions:
NTN1-related disorder. Also called: NTN1-related condition.

Submission:

PreventionGenetics, part of Exact Sciences
Classification: Uncertain significance for NTN1-related condition. Last evaluated: 2023-05-01. Review status: criteria provided, single submitter. Criteria: ACMG Guidelines, 2015. Collection method: clinical testing. Allele origin: germline.
Comment: The NTN1 c.926delA variant is predicted to result in a frameshift and premature protein termination (p.Asn309Thrfs*121). To our knowledge, this variant has not been reported in the literature or in a large population database, indicating this variant is rare. No protein-truncating variants have been reported in this gene to date (Human Gene Mutation Database). At this time, the clinical significance of this variant is uncertain due to the absence of conclusive functional and genetic evidence.

NM_004822.3(NTN1):c.926del (p.Asn309fs)

Gene: NTN1 (netrin 1; plus strand). Cytogenetic location: 17p13.1.
Variant type: Deletion.
Coding change: c.926del on transcript NM_004822.3 (MANE Select); coding-DNA position 926, one base deleted (A; older notation c.926delA).
Protein change: p.Asn309fs; shifts the reading frame from asparagine 309.
Molecular consequence: frameshift variant.
Genome position (GRCh38, 1-based): chr17:9,023,299, A deleted; the last of 2 consecutive A bases (chr17:9,023,298-9,023,299); deleting either gives the same sequence. VCF-style (leftmost placement, unchanged base first): chr17-9023297-CA-C. GRCh37 (hg19) VCF-style: chr17-8926614-CA-C.
Other names: short protein forms N309fs.
Identifiers: ClinVar variation 2633474 (VCV002633474.1), dbSNP rs2508511026, ClinGen allele CA2695201251.